The following is an entry in ClinVar:

ClinVar aggregate classification (germline): Likely benign. Review status: criteria provided, single submitter (1 of 4 stars). 2 submissions from 2 submitters: Likely benign (1). 1 of the submissions does not count toward it. Last evaluated 2023-12-31.

Conditions:
Bardet-Biedl syndrome (BBS). Identifiers: Orphanet 110, MedGen C0752166, MONDO:0015229.
BBS5-related disorder. Also called: BBS5-related condition.

Allele frequency attached by ClinVar (database versions not stated): gnomAD 0.00001; gnomAD exomes 0.00001; TOPMed 0.00002; ExAC 0.00005.
gnomAD v4.1: 21 of 1,613,774 alleles (0.0013%); highest among the groups gnomAD compares: South Asian, 0.0099%; 1 homozygote.

Submissions (2):

Labcorp Genetics (formerly Invitae), Labcorp
Classification: Likely benign for Bardet-Biedl syndrome. Last evaluated: 2023-12-31. Review status: criteria provided, single submitter. Criteria: Invitae Variant Classification Sherloc (09022015). Collection method: clinical testing. Allele origin: germline.

PreventionGenetics, part of Exact Sciences
Classification: Likely benign for BBS5-related condition. Last evaluated: 2022-01-26. Review status: no assertion criteria provided. Collection method: clinical testing. Allele origin: germline. Not counted in ClinVar's aggregate classification.
Comment: This variant is classified as likely benign based on ACMG/AMP sequence variant interpretation guidelines (Richards et al. 2015 PMID: 25741868, with internal and published modifications).

NM_152384.3(BBS5):c.843C>T (p.Val281=)

Gene: BBS5 (Bardet-Biedl syndrome 5; plus strand). Cytogenetic location: 2q31.1.
Variant type: single nucleotide variant.
Coding change: c.843C>T on transcript NM_152384.3 (MANE Select); coding-DNA position 843, C replaced by T.
Protein change: p.Val281=; no amino-acid change (valine 281 retained).
Molecular consequence: synonymous variant.
Genome position (GRCh38, 1-based): chr2:169,503,121, C>T. VCF-style: chr2-169503121-C-T. GRCh37 (hg19) VCF-style: chr2-170359631-C-T.
Other names: c.843C>T (NM_152384.2).
Identifiers: ClinVar variation 2739264 (VCV002739264.4), dbSNP rs751207512, ClinGen allele CA1956347.